The following is an entry in ClinVar:

ClinVar aggregate classification (germline): Uncertain significance (1 of 4 stars; one submission).

Submission:

GeneDx
Classification: Uncertain significance. Last evaluated: 2019-09-12. Review status: criteria provided, single submitter. Criteria: GeneDx Variant Classification Process June 2021. Collection method: clinical testing. Allele origin: germline. Affected: yes.
Comment: Not observed in large population cohorts (Lek et al., 2016); In silico analysis, which includes protein predictors and evolutionary conservation, supports a deleterious effect; Has not been previously published as pathogenic or benign in association with a neurodevelopmental disorder to our knowledge; This variant is associated with the following publications: (PMID: 28358430, 30863158)

NM_006218.4(PIK3CA):c.1615C>T (p.Pro539Ser)

Gene: PIK3CA (phosphatidylinositol-4,5-bisphosphate 3-kinase catalytic subunit alpha; plus strand). Cytogenetic location: 3q26.32.
Variant type: single nucleotide variant.
Coding change: c.1615C>T on transcript NM_006218.4 (MANE Select); coding-DNA position 1615, C replaced by T.
Protein change: p.Pro539Ser; replaces proline 539 with serine.
Molecular consequence: missense variant.
Genome position (GRCh38, 1-based): chr3:179,218,285, C>T. VCF-style: chr3-179218285-C-T. GRCh37 (hg19) VCF-style: chr3-178936073-C-T.
Other names: short protein forms P539S.
Identifiers: ClinVar variation 1312239 (VCV001312239.2), dbSNP rs1724887383, ClinGen allele CA355265003.
Genomic context (GRCh38, chr3:179,218,285, plus strand): 5'-AGAGACAATGAATTAAGGGAAAATGACAAAGAACAGCTCAAAGCAATTTCTACACGAGAT[C>T]CTCTCTCTGAAATCACTGAGCAGGAGAAAGATTTTCTATGGAGTCACAGGTAAGTGCTAA-3'
Protein context (NP_006209.2, residues 529-549): EQLKAISTRD[Pro539Ser]LSEITEQEKD